The following is an entry in ClinVar:

ClinVar aggregate classification (germline): Uncertain significance. Review status: criteria provided, multiple submitters, no conflicts (2 of 4 stars). 2 submissions from 2 submitters: Uncertain significance (2). Last evaluated 2026-04-14.

Conditions:
Low phospholipid associated cholelithiasis (GBD1). Also called: Gallstone cholecystitis; Gallbladder disease 1. Identifiers: Orphanet 69663, MedGen C2609268, MONDO:0010939, OMIM 600803.

gnomAD v4.1: 1 of 1,614,142 alleles (0.000062%); highest among the groups gnomAD compares: Non-Finnish European, 0.000085%; no homozygotes.

Submissions (2):

Genomenon, Inc
Classification: Uncertain significance for Low phospholipid associated cholelithiasis. Last evaluated: 2026-04-14. Review status: criteria provided, single submitter. Criteria: Genomenon Sequence Variant Interpretation Standards - Updated. Collection method: curation. Allele origin: germline. Affected: yes.
Comment: ABCB4 p.Ala836Glu (c.2507C>A) is a missense variant that changes the amino acid at residue 836 from Alanine to Glutamic acid. This variant has been observed in at least one proband with an ABCB4-related disorder (PMID:31538484;29761167). It is absent or not present at a significant frequency in gnomAD. In silico models predict that this variant is possibly or probably damaging. In conclusion, we classify ABCB4 p.Ala836Glu (c.2507C>A) as a variant of uncertain significance.

Women's Health and Genetics/Laboratory Corporation of America, LabCorp
Classification: Uncertain significance. Last evaluated: 2024-09-04. Review status: criteria provided, single submitter. Criteria: LabCorp Variant Classification Summary - May 2015. Collection method: clinical testing. Allele origin: germline.
Comment: Variant summary: ABCB4 c.2507C>A (p.Ala836Glu) results in a non-conservative amino acid change located in the ABC transporter type 1, transmembrane domain (IPR011527) of the encoded protein sequence. Four of five in-silico tools predict a damaging effect of the variant on protein function. The variant was absent in 251144 control chromosomes. The available data on variant occurrences in the general population are insufficient to allow any conclusion about variant significance. c.2507C>A has been reported in the literature in compound heterozygous individual(s) with low phospholipid-associated cholelithiasis (e.g., Huynh_2019, Schatz_2018). These data do not allow any conclusion about variant significance. To our knowledge, no experimental evidence demonstrating an impact on protein function has been reported. The following publications have been ascertained in the context of this evaluation (PMID: 29761167, 31538484). No submitters have cited clinical-significance assessments for this variant to ClinVar. Based on the evidence outlined above, the variant was classified as uncertain significance.

Literature cited by the submitters: PubMed 31538484 (cited by Genomenon, Inc and Women's Health and Genetics/Laboratory Corporation of America, LabCorp); PubMed 29761167 (cited by Genomenon, Inc and Women's Health and Genetics/Laboratory Corporation of America, LabCorp).

NM_000443.4(ABCB4):c.2507C>A (p.Ala836Glu)

Gene: ABCB4 (ATP binding cassette subfamily B member 4; minus strand). Cytogenetic location: 7q21.12.
Variant type: single nucleotide variant.
Coding change: c.2507C>A on transcript NM_000443.4 (MANE Select); coding-DNA position 2507, C replaced by A.
Protein change: p.Ala836Glu; replaces alanine 836 with glutamic acid.
Molecular consequence: missense variant.
Genome position (GRCh38, 1-based): chr7:87,417,487, G>T on the plus strand (C>A on the coding strand, the complement: ABCB4 is on the minus strand). VCF-style: chr7-87417487-G-T. GRCh37 (hg19) VCF-style: chr7-87046803-G-T.
Other names: c.2507C>A, p.Ala836Glu (NM_018849.3, NM_018850.3); short protein forms A836E.
Identifiers: ClinVar variation 3375065 (VCV003375065.2).